The following is an entry in ClinVar:

ClinVar aggregate classification (germline): Uncertain significance. Review status: no assertion criteria provided (0 of 4 stars). 2 submissions from 2 submitters: Uncertain significance (2). Last evaluated 2025-04-11.

Conditions:
AIRE-related disorder. Also called: AIRE-related condition.
Polyglandular autoimmune syndrome, type 1 (APS1). Also called: APS I; Autoimmune polyendocrinopathy syndrome, type I; Autoimmune polyendocrinopathy syndrome , type I, with or without reversible metaphyseal dysplasia; HYPOADRENOCORTICISM WITH HYPOPARATHYROIDISM AND SUPERFICIAL MONILIASIS; Autoimmune polyendocrine syndrome type 1; AUTOIMMUNE POLYENDOCRINE SYNDROME, TYPE I, WITH OR WITHOUT REVERSIBLE METAPHYSEAL DYSPLASIA. Identifiers: Orphanet 3453, MedGen C0085859, MONDO:0009411, OMIM 240300.

gnomAD v4.1: 1 of 1,613,018 alleles (0.000062%); highest among the groups gnomAD compares: Admixed American, 0.0017%; no homozygotes.

Submissions (2):

Natera, Inc.
Classification: Uncertain significance for Polyglandular autoimmune syndrome type 1. Last evaluated: 2025-04-11. Review status: no assertion criteria provided. Collection method: clinical testing. Allele origin: germline.

PreventionGenetics, part of Exact Sciences
Classification: Uncertain significance for AIRE-related condition. Last evaluated: 2024-03-23. Review status: no assertion criteria provided. Collection method: clinical testing. Allele origin: germline.
Comment: The AIRE c.881A>G variant is predicted to result in the amino acid substitution p.Lys294Arg. To our knowledge, this variant has not been reported in the literature. This variant is reported in 0.0029% of alleles in individuals of Latino descent in gnomAD. At this time, the clinical significance of this variant is uncertain due to the absence of conclusive functional and genetic evidence.

NM_000383.4(AIRE):c.881A>G (p.Lys294Arg)

Gene: AIRE (autoimmune regulator; plus strand). Cytogenetic location: 21q22.3.
Variant type: single nucleotide variant.
Coding change: c.881A>G on transcript NM_000383.4 (MANE Select); coding-DNA position 881, A replaced by G.
Protein change: p.Lys294Arg; replaces lysine 294 with arginine.
Molecular consequence: missense variant.
Genome position (GRCh38, 1-based): chr21:44,291,096, A>G. VCF-style: chr21-44291096-A-G. GRCh37 (hg19) VCF-style: chr21-45710979-A-G.
Other names: short protein forms K294R.
Identifiers: ClinVar variation 3350132 (VCV003350132.2).